The following is an entry in ClinVar:

NM_015910.7(WDPCP):c.2087T>C (p.Ile696Thr)

Gene: WDPCP (WD repeat containing planar cell polarity effector; minus strand). Cytogenetic location: 2p15.
Variant type: single nucleotide variant.
Coding change: c.2087T>C on transcript NM_015910.7 (MANE Select); coding-DNA position 2087, T replaced by C.
Protein change: p.Ile696Thr; replaces isoleucine 696 with threonine.
Molecular consequence: missense variant. On other transcripts: non-coding transcript variant (3).
Genome position (GRCh38, 1-based): chr2:63,153,566, A>G on the plus strand (T>C on the coding strand, the complement: WDPCP is on the minus strand). VCF-style: chr2-63153566-A-G. GRCh37 (hg19) VCF-style: chr2-63380701-A-G.
Other names: c.1610T>C, p.Ile537Thr (NM_001042692.3); c.2015T>C, p.Ile672Thr (NM_001354044.2); short protein forms I537T, I672T, I696T.
Identifiers: ClinVar variation 1418053 (VCV001418053.6), dbSNP rs1672025805, ClinGen allele CA347061373.

ClinVar aggregate classification (germline): Uncertain significance (1 of 4 stars; one submission).

Conditions:
Bardet-Biedl syndrome (BBS). Identifiers: Orphanet 110, MedGen C0752166, MONDO:0015229.

Allele frequency attached by ClinVar (database versions not stated): gnomAD exomes below 0.00001.
gnomAD v4.1: 2 of 1,612,164 alleles (0.00012%); highest among the groups gnomAD compares: South Asian, 0.0011%; no homozygotes.

Submission:

Labcorp Genetics (formerly Invitae), Labcorp
Classification: Uncertain significance for Bardet-Biedl syndrome. Last evaluated: 2023-10-03. Review status: criteria provided, single submitter. Criteria: Invitae Variant Classification Sherloc (09022015). Collection method: clinical testing. Allele origin: germline.
Comment: This sequence change replaces isoleucine, which is neutral and non-polar, with threonine, which is neutral and polar, at codon 696 of the WDPCP protein (p.Ile696Thr). This variant is not present in population databases (gnomAD no frequency). This variant has not been reported in the literature in individuals affected with WDPCP-related conditions. ClinVar contains an entry for this variant (Variation ID: 1418053). Algorithms developed to predict the effect of missense changes on protein structure and function output the following: SIFT: "Not Available"; PolyPhen-2: "Benign"; Align-GVGD: "Not Available". The threonine amino acid residue is found in multiple mammalian species, which suggests that this missense change does not adversely affect protein function. In summary, the available evidence is currently insufficient to determine the role of this variant in disease. Therefore, it has been classified as a Variant of Uncertain Significance.